The following is an entry in ClinVar:

ClinVar aggregate classification (germline): Pathogenic. Review status: criteria provided, multiple submitters, no conflicts (2 of 4 stars). 2 submissions from 2 submitters: Pathogenic (2). Last evaluated 2025-06-05.

Conditions:
Gaucher disease. Also called: Acute cerebral Gaucher disease; Cerebroside lipidosis syndrome; Gaucher splenomegaly; Sphingolipidosis 1; Glucocerebrosidosis; Glucosylceramidase deficiency. Identifiers: Orphanet 355, MedGen C0017205, MONDO:0018150.

Allele frequency attached by ClinVar (database versions not stated): gnomAD exomes below 0.00001; ExAC 0.00001; TOPMed 0.00001.
gnomAD v4.1: 1 of 1,613,372 alleles (0.000062%); highest among the groups gnomAD compares: Admixed American, 0.0017%; no homozygotes.

Submissions (2):

Natera, Inc.
Classification: Pathogenic for Gaucher disease. Last evaluated: 2025-06-05. Review status: criteria provided, single submitter. Criteria: Natera Variant Classification Schema (03/2026). Collection method: clinical testing. Allele origin: germline.
Comment: The c.108G>A variant in GBA1 is a nonsense variant predicted to introduce a stop codon at amino acid 36. This variant is expected to result in nonsense mediated decay, truncation, or a dysfunctional protein product. This variant is rare in the general population with a frequency below the threshold expected for the associated phenotype(s). This variant has been observed in one or more individuals affected with the associated recessive disease, as either homozygous or compound heterozygous with a second variant (PMID: 34134921). Given the available evidence, this variant is classified as Pathogenic.

Women's Health and Genetics/Laboratory Corporation of America, LabCorp
Classification: Pathogenic for Gaucher disease. Last evaluated: 2020-07-17. Review status: criteria provided, single submitter. Criteria: LabCorp Variant Classification Summary - May 2015. Collection method: clinical testing. Allele origin: germline.
Comment: Variant summary: GBA c.108G>A (p.Trp36X) results in a premature termination codon, predicted to cause a truncation of the encoded protein or absence of the protein due to nonsense mediated decay, which are commonly known mechanisms for disease. The variant allele was found at a frequency of 4e-06 in 250876 control chromosomes (gnomAD). The variant, c.108G>A, has been reported in the literature in multiple individuals affected with Gaucher Disease (e.g. Cormand_1998, Alfonso_2007, Gomez_2017). These data indicate that the variant is likely to be associated with disease. At least one publication reports experimental evidence evaluating an impact on protein function, and demonstrated decreased mRNA level in patient derived fibroblasts, and the lack of the protein product in protein truncation test (Montfort_2005). No clinical diagnostic laboratories have submitted clinical-significance assessments for this variant to ClinVar after 2014. Based on the evidence outlined above, the variant was classified as pathogenic.

Literature cited by the submitters: PubMed 34134921 (cited by Natera, Inc.); PubMed 17427031 (cited by Women's Health and Genetics/Laboratory Corporation of America, LabCorp); PubMed 9554746 (cited by Women's Health and Genetics/Laboratory Corporation of America, LabCorp); PubMed 16326120 (cited by Women's Health and Genetics/Laboratory Corporation of America, LabCorp); PubMed 28947706 (cited by Women's Health and Genetics/Laboratory Corporation of America, LabCorp).

NM_000157.4(GBA1):c.108G>A (p.Trp36Ter)

Gene: GBA1 (glucosylceramidase beta 1; minus strand). Cytogenetic location: 1q22.
Variant type: single nucleotide variant.
Coding change: c.108G>A on transcript NM_000157.4 (MANE Select); coding-DNA position 108, G replaced by A.
Protein change: p.Trp36Ter; replaces tryptophan 36 with a stop codon.
Molecular consequence: nonsense. On other transcripts: intron variant (1).
Genome position (GRCh38, 1-based): chr1:155,240,637, C>T on the plus strand (G>A on the coding strand, the complement: GBA1 is on the minus strand). VCF-style: chr1-155240637-C-T. GRCh37 (hg19) VCF-style: chr1-155210428-C-T.
Other names: c.108G>A, p.Trp36Ter (NM_001005741.3, NM_001005742.3, NM_001171812.2); c.-146-560G>A (NM_001171811.2); c.108G>A (NM_000157.3); short protein forms W36*.
Identifiers: ClinVar variation 974986 (VCV000974986.6), dbSNP rs777383151, ClinGen allele CA1141857.